The following is an entry in ClinVar:

NM_006073.4(TRDN):c.233-215C>A

Gene: TRDN (triadin; minus strand). Cytogenetic location: 6q22.31.
Variant type: single nucleotide variant.
Coding change: c.233-215C>A on transcript NM_006073.4 (MANE Select); 215 bases into the intron before coding-DNA position 233, C replaced by A.
Molecular consequence: intron variant.
Genome position (GRCh38, 1-based): chr6:123,548,827, G>T on the plus strand (C>A on the coding strand, the complement: TRDN is on the minus strand). VCF-style: chr6-123548827-G-T. GRCh37 (hg19) VCF-style: chr6-123869972-G-T.
Other names: c.233-215C>A (NM_001251987.2, NM_001256020.2, NM_001256021.2 and 1 more transcripts).
Identifiers: ClinVar variation 676382 (VCV000676382.1), dbSNP rs112674658, ClinGen allele CA147297354.

ClinVar aggregate classification (germline): Likely benign (1 of 4 stars; one submission).

Allele frequency attached by ClinVar (database versions not stated): 1000 Genomes Project 30x 0.01077; 1000 Genomes Project 0.01078; gnomAD 0.01112 and 0.01211; TOPMed 0.01305.
gnomAD v4.1: 1,673 of 151,966 alleles (1.1%); highest among the groups gnomAD compares: African/African-American, 3.8%; 30 homozygotes.

Submission:

GeneDx
Classification: Likely benign. Last evaluated: 2018-06-16. Review status: criteria provided, single submitter. Criteria: GeneDx Variant Classification (06012015). Collection method: clinical testing. Allele origin: germline. Affected: yes.
Comment: This variant is considered likely benign or benign based on one or more of the following criteria: it is a conservative change, it occurs at a poorly conserved position in the protein, it is predicted to be benign by multiple in silico algorithms, and/or has population frequency not consistent with disease.